The following is an entry in ClinVar:

ClinVar aggregate classification (germline): Uncertain significance. Review status: criteria provided, multiple submitters, no conflicts (2 of 4 stars). 5 submissions from 5 submitters: Uncertain significance (5). Last evaluated 2026-06-26.

Conditions:
Familial meningioma. Also called: Meningioma, familial, susceptibility to. Identifiers: Orphanet 263662, MedGen C3551915, MONDO:0011789, OMIM 607174.
SMARCE1-related disorder. Also called: SMARCE1-related condition.
Hereditary cancer-predisposing syndrome. Also called: Neoplastic Syndromes, Hereditary; Hereditary Cancer Syndrome; Tumor predisposition; Hereditary neoplastic syndrome. Identifiers: Orphanet 140162, MedGen C0027672, MeSH D009386, MONDO:0015356.

Allele frequency attached by ClinVar (database versions not stated): gnomAD exomes 0.00001; ExAC 0.00002; gnomAD 0.00002 and 0.00003; TOPMed 0.00003.

Submissions (5):

PreventionGenetics, part of Exact Sciences
Classification: Uncertain significance for SMARCE1-related condition. Last evaluated: 2026-06-26. Review status: criteria provided, single submitter. Criteria: ACMG Guidelines, 2015. Collection method: clinical testing. Allele origin: germline.
Comment: The SMARCE1 c.443G>A variant is predicted to result in the amino acid substitution p.Arg148His. To our knowledge, this variant has not been reported in the literature. This variant is reported in 0.0040% of alleles in individuals of African descent in gnomAD. Although we suspect that this variant may be benign, the clinical significance of this variant is classified as uncertain at this time due to insufficient functional and genetic evidence.

Ambry Genetics
Classification: Uncertain significance for Hereditary cancer-predisposing syndrome. Last evaluated: 2026-03-19. Review status: criteria provided, single submitter. Criteria: Ambry Variant Classification Scheme 2023. Collection method: clinical testing. Allele origin: germline.
Comment: The p.R148H variant (also known as c.443G>A), located in coding exon 6 of the SMARCE1 gene, results from a G to A substitution at nucleotide position 443. The arginine at codon 148 is replaced by histidine, an amino acid with highly similar properties. This amino acid position is highly conserved in available vertebrate species. In addition, the in silico prediction for this alteration is inconclusive. This variant has been detected in multiple individuals with no reported features of Coffin-Siris syndrome (Ambry internal data). Based on the supporting evidence, the association of this alteration with an increased risk of meningiomas is unknown; however, the association of this alteration with Coffin-Siris syndrome is unlikely.

Labcorp Genetics (formerly Invitae), Labcorp
Classification: Uncertain significance for Familial meningioma. Last evaluated: 2025-12-23. Review status: criteria provided, single submitter. Criteria: Invitae Variant Classification Sherloc (09022015). Collection method: clinical testing. Allele origin: germline.
Comment: This sequence change replaces arginine, which is basic and polar, with histidine, which is basic and polar, at codon 148 of the SMARCE1 protein (p.Arg148His). This variant is present in population databases (rs755039445, gnomAD 0.004%). This variant has not been reported in the literature in individuals affected with SMARCE1-related conditions. ClinVar contains an entry for this variant (Variation ID: 852909). Invitae Evidence Modeling of protein sequence and biophysical properties (such as structural, functional, and spatial information, amino acid conservation, physicochemical variation, residue mobility, and thermodynamic stability) indicates that this missense variant is expected to disrupt SMARCE1 protein function with a positive predictive value of 80%. In summary, the available evidence is currently insufficient to determine the role of this variant in disease. Therefore, it has been classified as a Variant of Uncertain Significance.

Institute for Genomic Medicine (IGM) Clinical Laboratory, Nationwide Children's Hospital
Classification: Uncertain significance for Familial meningioma. Last evaluated: 2022-08-30. Review status: criteria provided, single submitter. Criteria: ACMG Guidelines, 2015. Collection method: clinical testing. Allele origin: germline.
Comment: This variant is absent from or present at an exceedingly low frequency in gnomAD, a large-scale control population database (ACMG/AMP: PM2).

GeneDx
Classification: Uncertain significance. Last evaluated: 2022-06-02. Review status: criteria provided, single submitter. Criteria: GeneDx Variant Classification Process June 2021. Collection method: clinical testing. Allele origin: germline. Affected: yes.
Comment: In silico analysis supports that this missense variant has a deleterious effect on protein structure/function; Has not been previously published as pathogenic or benign to our knowledge

NM_003079.5(SMARCE1):c.443G>A (p.Arg148His)

Gene: SMARCE1 (SWI/SNF related BAF chromatin remodeling complex subunit E1; minus strand). Cytogenetic location: 17q21.2.
Variant type: single nucleotide variant.
Coding change: c.443G>A on transcript NM_003079.5 (MANE Select); coding-DNA position 443, G replaced by A.
Protein change: p.Arg148His; replaces arginine 148 with histidine.
Molecular consequence: missense variant.
Genome position (GRCh38, 1-based): chr17:40,636,029, C>T on the plus strand (G>A on the coding strand, the complement: SMARCE1 is on the minus strand). VCF-style: chr17-40636029-C-T. GRCh37 (hg19) VCF-style: chr17-38792281-C-T.
Other names: short protein forms R148H.
Identifiers: ClinVar variation 852909 (VCV000852909.15), dbSNP rs755039445, ClinGen allele CA8545241.